The following is an entry in ClinVar:

NM_000038.6(APC):c.5710C>A (p.Gln1904Lys)

Gene: APC (APC regulator of Wnt signaling pathway; plus strand). Cytogenetic location: 5q22.2.
Variant type: single nucleotide variant.
Coding change: c.5710C>A on transcript NM_000038.6 (MANE Select); coding-DNA position 5710, C replaced by A.
Protein change: p.Gln1904Lys; replaces glutamine 1904 with lysine.
Molecular consequence: missense variant.
Genome position (GRCh38, 1-based): chr5:112,841,304, C>A. VCF-style: chr5-112841304-C-A. GRCh37 (hg19) VCF-style: chr5-112177001-C-A.
Other names: c.5689C>A, p.Gln1897Lys (NM_001407451.1); c.5680C>A, p.Gln1894Lys (NM_001407452.1); c.5533C>A, p.Gln1845Lys (NM_001407453.1, NM_001354901.2); c.5764C>A, p.Gln1922Lys (NM_001407448.1, NM_001407449.1, NM_001354896.2 and 1 more transcripts); c.5710C>A, p.Gln1904Lys (NM_001407450.1, NM_001127510.3, NM_001354895.2); c.5656C>A, p.Gln1886Lys (NM_001127511.3); c.5740C>A, p.Gln1914Lys (NM_001354897.2); c.5635C>A, p.Gln1879Lys (NM_001354898.2); and 11 more; short protein forms Q1744K, Q1886K, Q1932K, Q1520K, Q1821K, Q1879K, Q1894K, Q1904K.
Identifiers: ClinVar variation 1749237 (VCV001749237.2), dbSNP rs2149947171, ClinGen allele CA16033829.

ClinVar aggregate classification (germline): Uncertain significance (1 of 4 stars; one submission).

Conditions:
Hereditary cancer-predisposing syndrome. Also called: Hereditary Cancer Syndrome; Hereditary neoplastic syndrome; Neoplastic Syndromes, Hereditary; Tumor predisposition. Identifiers: Orphanet 140162, MedGen C0027672, MeSH D009386, MONDO:0015356.

gnomAD v4.1: 1 of 1,613,924 alleles (0.000062%); no homozygotes.

Submission:

Ambry Genetics
Classification: Uncertain significance for Hereditary cancer-predisposing syndrome. Last evaluated: 2020-07-21. Review status: criteria provided, single submitter. Criteria: Ambry Variant Classification Scheme 2023. Collection method: clinical testing. Allele origin: germline.
Comment: The p.Q1904K variant (also known as c.5710C>A), located in coding exon 15 of the APC gene, results from a C to A substitution at nucleotide position 5710. The glutamine at codon 1904 is replaced by lysine, an amino acid with similar properties. This amino acid position is well conserved in available vertebrate species. In addition, in silico predictors for this gene do not accurately predict pathogenicity. Since supporting evidence is limited at this time, the clinical significance of this alteration remains unclear.